The following is an entry in ClinVar:

NM_001375524.1(TRRAP):c.8156A>C (p.His2719Pro)

Gene: TRRAP (transformation/transcription domain associated protein; plus strand). Cytogenetic location: 7q22.1.
Variant type: single nucleotide variant.
Coding change: c.8156A>C on transcript NM_001375524.1 (MANE Select); coding-DNA position 8156, A replaced by C.
Protein change: p.His2719Pro; replaces histidine 2719 with proline.
Molecular consequence: missense variant.
Genome position (GRCh38, 1-based): chr7:98,976,679, A>C. VCF-style: chr7-98976679-A-C. GRCh37 (hg19) VCF-style: chr7-98574302-A-C.
Other names: c.8135A>C, p.His2712Pro (NM_001244580.2); c.8081A>C, p.His2694Pro (NM_003496.4); short protein forms H2719P, H2694P, H2712P.
Identifiers: ClinVar variation 2706729 (VCV002706729.3), dbSNP rs1469292036, ClinGen allele CA368303835.

ClinVar aggregate classification (germline): Uncertain significance (1 of 4 stars; one submission).

Submission:

Labcorp Genetics (formerly Invitae), Labcorp
Classification: Uncertain significance. Last evaluated: 2023-12-31. Review status: criteria provided, single submitter. Criteria: Invitae Variant Classification Sherloc (09022015). Collection method: clinical testing. Allele origin: germline.
Comment: This sequence change replaces histidine, which is basic and polar, with proline, which is neutral and non-polar, at codon 2694 of the TRRAP protein (p.His2694Pro). This variant is not present in population databases (gnomAD no frequency). This variant has not been reported in the literature in individuals affected with TRRAP-related conditions. Advanced modeling of protein sequence and biophysical properties (such as structural, functional, and spatial information, amino acid conservation, physicochemical variation, residue mobility, and thermodynamic stability) performed at Invitae indicates that this missense variant is not expected to disrupt TRRAP protein function with a negative predictive value of 80%. In summary, the available evidence is currently insufficient to determine the role of this variant in disease. Therefore, it has been classified as a Variant of Uncertain Significance.